The following is an entry in ClinVar:

ClinVar aggregate classification (germline): Uncertain significance. Review status: criteria provided, multiple submitters, no conflicts (2 of 4 stars). 4 submissions from 4 submitters: Uncertain significance (4). Last evaluated 2024-01-21.

Conditions:
Familial cancer of breast. Also called: Hereditary breast cancer; BREAST CANCER, FAMILIAL; hereditary breast carcinoma. Identifiers: Orphanet 227535, MedGen C0346153, MONDO:0016419, OMIM 114480. Disease mechanism: loss of function.
Fanconi anemia complementation group J. Also called: BRIP1-Related Fanconi Anemia. Identifiers: Orphanet 84, MedGen C1836860, MONDO:0012187, OMIM 609054.
Hereditary cancer-predisposing syndrome. Also called: Neoplastic Syndromes, Hereditary; Hereditary neoplastic syndrome; Tumor predisposition; Hereditary Cancer Syndrome. Identifiers: Orphanet 140162, MedGen C0027672, MeSH D009386, MONDO:0015356.

Allele frequency attached by ClinVar (database versions not stated): gnomAD exomes below 0.00001.
gnomAD v4.1: 2 of 1,614,026 alleles (0.00012%); highest among the groups gnomAD compares: Non-Finnish European, 0.00017%; no homozygotes.

Submissions (4):

Labcorp Genetics (formerly Invitae), Labcorp
Classification: Uncertain significance for Familial cancer of breast; Fanconi anemia complementation group J. Last evaluated: 2024-01-21. Review status: criteria provided, single submitter. Criteria: Invitae Variant Classification Sherloc (09022015). Collection method: clinical testing. Allele origin: germline.
Comment: This sequence change replaces isoleucine, which is neutral and non-polar, with valine, which is neutral and non-polar, at codon 337 of the BRIP1 protein (p.Ile337Val). This variant is present in population databases (no rsID available, gnomAD 0.0009%). This variant has not been reported in the literature in individuals affected with BRIP1-related conditions. ClinVar contains an entry for this variant (Variation ID: 660665). Advanced modeling of protein sequence and biophysical properties (such as structural, functional, and spatial information, amino acid conservation, physicochemical variation, residue mobility, and thermodynamic stability) performed at Invitae indicates that this missense variant is not expected to disrupt BRIP1 protein function with a negative predictive value of 80%. In summary, the available evidence is currently insufficient to determine the role of this variant in disease. Therefore, it has been classified as a Variant of Uncertain Significance.

Baylor Genetics
Classification: Uncertain significance for Familial cancer of breast. Last evaluated: 2023-09-02. Review status: criteria provided, single submitter. Criteria: ACMG Guidelines, 2015. Collection method: clinical testing. Allele origin: unknown.

Color Diagnostics, LLC DBA Color Health
Classification: Uncertain significance for Hereditary cancer-predisposing syndrome. Last evaluated: 2022-11-02. Review status: criteria provided, single submitter. Criteria: ACMG Guidelines, 2015. Collection method: clinical testing. Allele origin: germline.
Comment: This missense variant replaces isoleucine with valine at codon 337 of the BRIP1 protein. Computational prediction suggests that this variant may not impact protein structure and function (internally defined REVEL score threshold <= 0.5, PMID: 27666373). To our knowledge, functional studies have not been reported for this variant. This variant has not been reported in individuals affected with hereditary cancer in the literature. This variant has been identified in 1/251316 chromosomes in the general population by the Genome Aggregation Database (gnomAD). The available evidence is insufficient to determine the role of this variant in disease conclusively. Therefore, this variant is classified as a Variant of Uncertain Significance.

Ambry Genetics
Classification: Uncertain significance for Hereditary cancer-predisposing syndrome. Last evaluated: 2019-12-16. Review status: criteria provided, single submitter. Criteria: Ambry Variant Classification Scheme 2023. Collection method: clinical testing. Allele origin: germline.
Comment: The p.I337V variant (also known as c.1009A>G), located in coding exon 7 of the BRIP1 gene, results from an A to G substitution at nucleotide position 1009. The isoleucine at codon 337 is replaced by valine, an amino acid with highly similar properties. This amino acid position is highly conserved in available vertebrate species. In addition, this alteration is predicted to be tolerated by in silico analysis. Since supporting evidence is limited at this time, the clinical significance of this alteration remains unclear.

NM_032043.3(BRIP1):c.1009A>G (p.Ile337Val)

Gene: BRIP1 (BRCA1 interacting DNA helicase 1; minus strand). Cytogenetic location: 17q23.2.
Variant type: single nucleotide variant.
Coding change: c.1009A>G on transcript NM_032043.3 (MANE Select); coding-DNA position 1009, A replaced by G.
Protein change: p.Ile337Val; replaces isoleucine 337 with valine.
Molecular consequence: missense variant.
Genome position (GRCh38, 1-based): chr17:61,801,384, T>C on the plus strand (A>G on the coding strand, the complement: BRIP1 is on the minus strand). VCF-style: chr17-61801384-T-C. GRCh37 (hg19) VCF-style: chr17-59878745-T-C.
Other names: short protein forms I337V.
Identifiers: ClinVar variation 660665 (VCV000660665.19), dbSNP rs1365389773, ClinGen allele CA400484122.
Genomic context (GRCh38, chr17:61,801,384, plus strand): 5'-CTCGGGCTGTGTAATATGGACAGGCCTTTAGTTTCTTCCCCAGGCTGACAAGTTCTTCTA[T>C]ATCCCAGGCTTTGCACATCCCTTGGAAAGTCTGTAATGTGTGCTGATCACTAATTTTATG-3'
Protein context (NP_114432.2, residues 327-347): TFQGMCKAWD[Ile337Val]EELVSLGKKL